The following is an entry in ClinVar:

NM_001854.4(COL11A1):c.4032+18T>C

Gene: COL11A1 (collagen type XI alpha 1 chain; minus strand). Cytogenetic location: 1p21.1.
Variant type: single nucleotide variant.
Coding change: c.4032+18T>C on transcript NM_001854.4 (MANE Select); 18 bases into the intron after coding-DNA position 4032, T replaced by C.
Molecular consequence: intron variant.
Genome position (GRCh38, 1-based): chr1:102,913,619, A>G on the plus strand (T>C on the coding strand, the complement: COL11A1 is on the minus strand). VCF-style: chr1-102913619-A-G. GRCh37 (hg19) VCF-style: chr1-103379175-A-G.
Other names: c.3915+18T>C (NM_001190709.2); c.4068+18T>C (NM_080629.3); c.3684+18T>C (NM_080630.4).
Identifiers: ClinVar variation 390573 (VCV000390573.11), dbSNP rs190625412, ClinGen allele CA973717.

ClinVar aggregate classification (germline): Likely benign. Review status: criteria provided, multiple submitters, no conflicts (2 of 4 stars). 3 submissions from 3 submitters: Likely benign (3). Last evaluated 2026-01-27.

Allele frequency attached by ClinVar (database versions not stated): gnomAD exomes 0.00011; ExAC 0.00013; gnomAD 0.00014 and 0.00015; ESP Exome Variant Server 0.00015; 1000 Genomes Project 30x 0.00016; TOPMed 0.00017; 1000 Genomes Project 0.00020.

Submissions (3):

Labcorp Genetics (formerly Invitae), Labcorp
Classification: Likely benign. Last evaluated: 2026-01-27. Review status: criteria provided, single submitter. Criteria: Invitae Variant Classification Sherloc (09022015). Collection method: clinical testing. Allele origin: germline.

Blueprint Genetics
Classification: Likely benign. Last evaluated: 2024-10-31. Review status: criteria provided, single submitter. Criteria: ACMG Guidelines, 2015. Collection method: clinical testing. Allele origin: germline.

GeneDx
Classification: Likely benign. Last evaluated: 2016-11-07. Review status: criteria provided, single submitter. Criteria: GeneDx Variant Classification (06012015). Collection method: clinical testing. Allele origin: germline. Affected: yes.
Comment: This variant is considered likely benign or benign based on one or more of the following criteria: it is a conservative change, it occurs at a poorly conserved position in the protein, it is predicted to be benign by multiple in silico algorithms, and/or has population frequency not consistent with disease.